The following is an entry in ClinVar:

NM_000535.7(PMS2):c.352A>G (p.Ser118Gly)

Gene: PMS2 (PMS1 homolog 2, mismatch repair system component; minus strand). Cytogenetic location: 7p22.1.
Variant type: single nucleotide variant.
Coding change: c.352A>G on transcript NM_000535.7 (MANE Select); coding-DNA position 352, A replaced by G.
Protein change: p.Ser118Gly; replaces serine 118 with glycine.
Molecular consequence: missense variant. On other transcripts: 5 prime UTR variant (9), non-coding transcript variant (1), intron variant (2).
Genome position (GRCh38, 1-based): chr7:6,003,691, T>C on the plus strand (A>G on the coding strand, the complement: PMS2 is on the minus strand). VCF-style: chr7-6003691-T-C. GRCh37 (hg19) VCF-style: chr7-6043322-T-C.
Other names: c.-54A>G (NM_001018040.1, NM_001322003.2, NM_001322004.2 and 14 more transcripts); c.352A>G, p.Ser118Gly (NM_001322006.2, NM_001322014.2, NM_001406869.1 and 8 more transcripts); c.-533A>G (NM_001322011.2, NM_001322012.2); c.-133A>G (NM_001322015.2, NM_001406875.1, NM_001406877.1 and 3 more transcripts); c.538A>G, p.Ser180Gly (NM_001406866.1); c.376A>G, p.Ser126Gly (NM_001406868.1); c.35+281A>G (NM_001322008.2, NM_001322007.2); short protein forms S118G, S126G, S180G.
Identifiers: ClinVar variation 1732337 (VCV001732337.3), dbSNP rs2128826018, ClinGen allele CA366744526.

ClinVar aggregate classification (germline): Uncertain significance (1 of 4 stars; one submission).

Conditions:
Hereditary cancer-predisposing syndrome. Also called: Tumor predisposition; Hereditary Cancer Syndrome; Hereditary neoplastic syndrome; Neoplastic Syndromes, Hereditary. Identifiers: Orphanet 140162, MedGen C0027672, MeSH D009386, MONDO:0015356.

Submission:

Ambry Genetics
Classification: Uncertain significance for Hereditary cancer-predisposing syndrome. Last evaluated: 2026-02-02. Review status: criteria provided, single submitter. Criteria: Ambry Variant Classification Scheme 2023. Collection method: clinical testing. Allele origin: germline.
Comment: The p.S118G variant (also known as c.352A>G), located in coding exon 4 of the PMS2 gene, results from an A to G substitution at nucleotide position 352. The serine at codon 118 is replaced by glycine, an amino acid with similar properties. This amino acid position is highly conserved in available vertebrate species. In addition, this alteration is predicted to be deleterious by in silico analysis. Based on the available evidence, the clinical significance of this variant remains unclear.